The following is an entry in ClinVar:

NM_000376.3(VDR):c.1109G>A (p.Arg370His)

Gene: VDR (vitamin D receptor; minus strand). Cytogenetic location: 12q13.11.
Variant type: single nucleotide variant.
Coding change: c.1109G>A on transcript NM_000376.3 (MANE Select); coding-DNA position 1109, G replaced by A.
Protein change: p.Arg370His; replaces arginine 370 with histidine.
Molecular consequence: missense variant.
Genome position (GRCh38, 1-based): chr12:47,844,921, C>T on the plus strand (G>A on the coding strand, the complement: VDR is on the minus strand). VCF-style: chr12-47844921-C-T. GRCh37 (hg19) VCF-style: chr12-48238704-C-T.
Other names: c.1109G>A, p.Arg370His (NM_001017535.2, NM_001364085.2, NM_001374661.1 and 1 more transcripts); c.1259G>A, p.Arg420His (NM_001017536.2); short protein forms R370H, R420H.
Identifiers: ClinVar variation 840199 (VCV000840199.8), dbSNP rs202139940, ClinGen allele CA6533745.

ClinVar aggregate classification (germline): Uncertain significance. Review status: criteria provided, multiple submitters, no conflicts (2 of 4 stars). 2 submissions from 2 submitters: Uncertain significance (2). Last evaluated 2024-04-12.

Conditions:
Vitamin D-dependent rickets type II with alopecia (VDDR2A). Also called: GENERALIZED RESISTANCE TO 1,25-DIHYDROXYVITAMIN D; HYPOCALCEMIC VITAMIN D-RESISTANT RICKETS; PDDR IIA; Vitamin D-dependent rickets, type 2A; PSEUDOVITAMIN D-DEFICIENCY, TYPE IIA; RICKETS, HEREDITARY VITAMIN D-RESISTANT. Identifiers: Orphanet 93160, MedGen C0342646, MONDO:0010186, OMIM 277440.

Allele frequency attached by ClinVar (database versions not stated): gnomAD 0.00002 and 0.00003; gnomAD exomes 0.00002 and 0.00004; TOPMed 0.00002; ExAC 0.00005; ESP Exome Variant Server 0.00015; 1000 Genomes Project 30x 0.00016; 1000 Genomes Project 0.00020.
gnomAD v4.1: 37 of 1,614,052 alleles (0.0023%); highest among the groups gnomAD compares: East Asian, 0.018%; no homozygotes.

Submissions (2):

Fulgent Genetics
Classification: Uncertain significance for Vitamin D-dependent rickets type II with alopecia. Last evaluated: 2024-04-12. Review status: criteria provided, single submitter. Criteria: ACMG Guidelines, 2015. Collection method: clinical testing. Allele origin: germline.

Labcorp Genetics (formerly Invitae), Labcorp
Classification: Uncertain significance. Last evaluated: 2022-03-09. Review status: criteria provided, single submitter. Criteria: Invitae Variant Classification Sherloc (09022015). Collection method: clinical testing. Allele origin: germline.
Comment: This sequence change replaces arginine, which is basic and polar, with histidine, which is basic and polar, at codon 370 of the VDR protein (p.Arg370His). This variant is present in population databases (rs202139940, gnomAD 0.02%). This missense change has been observed in individual(s) with vitamin D-resistant rickets (PMID: 28377956). ClinVar contains an entry for this variant (Variation ID: 840199). Algorithms developed to predict the effect of missense changes on protein structure and function (SIFT, PolyPhen-2, Align-GVGD) all suggest that this variant is likely to be tolerated. Experimental studies have shown that this missense change does not substantially affect VDR function (PMID: 28377956). In summary, the available evidence is currently insufficient to determine the role of this variant in disease. Therefore, it has been classified as a Variant of Uncertain Significance.

Literature cited by the submitters: PubMed 28377956 (cited by Labcorp Genetics (formerly Invitae), Labcorp).